The following is an entry in ClinVar:

ClinVar aggregate classification (germline): Likely benign. Review status: criteria provided, multiple submitters, no conflicts (2 of 4 stars). 11 submissions from 9 submitters: Likely benign (9). 2 of the submissions do not count toward it. Last evaluated 2026-01-26.

Conditions:
Cardiomyopathy, familial restrictive, 3. Identifiers: Orphanet 75249, MedGen C2676271, MONDO:0012900, OMIM 612422.
Cardiovascular phenotype. Identifiers: MedGen CN230736.
Dilated cardiomyopathy 1D. Identifiers: Orphanet 154, Orphanet 54260, MedGen C1832243, MONDO:0011095, OMIM 601494.
Hypertrophic cardiomyopathy 2. Also called: TNNT2-Related Familial Hypertrophic Cardiomyopathy. Identifiers: MedGen C1861864, MONDO:0007266, OMIM 115195.
Cardiomyopathy (CMYO). Also called: Cardiomyopathies. Identifiers: Orphanet 167848, MedGen C0878544, MONDO:0004994, HP:0001638. Inheritance: Various modes of inheritance.

Allele frequency attached by ClinVar (database versions not stated): ExAC 0.00002; gnomAD exomes 0.00002; TOPMed 0.00002; gnomAD 0.00003; ESP Exome Variant Server 0.00008.
gnomAD v4.1: 22 of 1,613,034 alleles (0.0014%); highest among the groups gnomAD compares: African/African-American, 0.0027%; no homozygotes.

Submissions (11):

Labcorp Genetics (formerly Invitae), Labcorp
Classification: Likely benign for Cardiomyopathy, familial restrictive, 3; Hypertrophic cardiomyopathy 2; Dilated cardiomyopathy 1D. Last evaluated: 2026-01-26. Review status: criteria provided, single submitter. Criteria: Invitae Variant Classification Sherloc (09022015). Collection method: clinical testing. Allele origin: germline.

CeGaT Center for Human Genetics Tuebingen
Classification: Likely benign. Last evaluated: 2025-03-01. Review status: criteria provided, single submitter. Criteria: CeGaT Center For Human Genetics Tuebingen Variant Classification Criteria Version 2. Collection method: clinical testing. Allele origin: germline. Affected: yes. Observed: 2 variant alleles.
Comment: TNNT2: BP4, BP7

Blueprint Genetics
Classification: Likely benign. Last evaluated: 2024-05-14. Review status: criteria provided, single submitter. Criteria: ACMG Guidelines, 2015. Collection method: clinical testing. Allele origin: germline.

All of Us Research Program, National Institutes of Health
Classification: Likely benign for Cardiomyopathy. Last evaluated: 2023-08-15. Review status: criteria provided, single submitter. Criteria: ACMG Guidelines, 2015. Collection method: clinical testing. Allele origin: germline. Inheritance: Autosomal dominant inheritance. Observed: 5 variant alleles, 5 heterozygotes.
Comment: This study involves interpretation of variants in research participants for the purpose of population health screening. Participant phenotype was not available at the time of variant classification. Additional details can be found in publication PMID: 35346344, PMCID: PMC8962531

Genome-Nilou Lab
Classification: Likely benign for Dilated cardiomyopathy 1D. Last evaluated: 2023-04-11. Review status: criteria provided, single submitter. Criteria: ACMG Guidelines, 2015. Collection method: clinical testing. Allele origin: germline. Affected: no.

Genome-Nilou Lab
Classification: Likely benign for Cardiomyopathy, familial restrictive, 3. Last evaluated: 2023-04-11. Review status: criteria provided, single submitter. Criteria: ACMG Guidelines, 2015. Collection method: clinical testing. Allele origin: germline. Affected: no.

Genome-Nilou Lab
Classification: Likely benign for Hypertrophic cardiomyopathy 2. Last evaluated: 2023-04-11. Review status: criteria provided, single submitter. Criteria: ACMG Guidelines, 2015. Collection method: clinical testing. Allele origin: germline. Affected: no.

Ambry Genetics
Classification: Likely benign for Cardiovascular phenotype. Last evaluated: 2022-05-31. Review status: criteria provided, single submitter. Criteria: Ambry Variant Classification Scheme 2023. Collection method: clinical testing. Allele origin: germline.

Color Diagnostics, LLC DBA Color Health
Classification: Likely benign for Cardiomyopathy. Last evaluated: 2019-07-02. Review status: criteria provided, single submitter. Criteria: ACMG Guidelines, 2015. Collection method: clinical testing. Allele origin: germline.

Clinical Genetics DNA and cytogenetics Diagnostics Lab, Erasmus MC, Erasmus Medical Center
Classification: Likely benign. Review status: no assertion criteria provided. Collection method: clinical testing. Allele origin: germline. Affected: yes. Study: VKGL Data-share Consensus. Not counted in ClinVar's aggregate classification.

Clinical Genetics, Academic Medical Center
Classification: Benign. Review status: no assertion criteria provided. Collection method: clinical testing. Allele origin: germline. Affected: yes. Study: VKGL Data-share Consensus. Not counted in ClinVar's aggregate classification.

NM_001276345.2(TNNT2):c.435C>T (p.Ala145=)

Gene: TNNT2 (troponin T2, cardiac type; minus strand). Cytogenetic location: 1q32.1.
Variant type: single nucleotide variant.
Coding change: c.435C>T on transcript NM_001276345.2 (MANE Select); coding-DNA position 435, C replaced by T.
Protein change: p.Ala145=; no amino-acid change (alanine 145 retained).
Molecular consequence: synonymous variant.
Genome position (GRCh38, 1-based): chr1:201,364,352, G>A on the plus strand (C>T on the coding strand, the complement: TNNT2 is on the minus strand). VCF-style: chr1-201364352-G-A. GRCh37 (hg19) VCF-style: chr1-201333480-G-A.
Other names: c.435C>T, p.Ala145= (NM_000364.4); c.405C>T, p.Ala135= (NM_001001430.3, NM_001001431.3, NM_001276347.2); c.390C>T, p.Ala130= (NM_001001432.3); c.315C>T, p.Ala105= (NM_001276346.2).
Identifiers: ClinVar variation 703092 (VCV000703092.37), dbSNP rs375675827, ClinGen allele CA028696.